The following is an entry in ClinVar:

ClinVar aggregate classification (germline): Benign. Review status: criteria provided, multiple submitters, no conflicts (2 of 4 stars). 7 submissions from 7 submitters: Benign (6). 1 of the submissions does not count toward it. Last evaluated 2026-05-09.

Conditions:
IGF1R-related disorder. Also called: IGF1R-related condition.
Growth delay due to insulin-like growth factor I resistance. Also called: Somatomedin end-organ insensitivity to; Somatomedin-c resistance to; IGF-1 resistance; IGF-I RESISTANCE; Insulin-Like Growth Factor I Resistance. Identifiers: Orphanet 73273, MedGen C1849157, MONDO:0010038, OMIM 270450.

Allele frequency attached by ClinVar (database versions not stated): ESP Exome Variant Server 0.06706; TOPMed 0.07398; 1000 Genomes Project 0.07768; 1000 Genomes Project 30x 0.08307; ExAC 0.05833; gnomAD 0.06905 and 0.06768.
gnomAD v4.1: 81,748 of 1,613,316 alleles (5.1%); highest among the groups gnomAD compares: African/African-American, 12%; 2,632 homozygotes.

Submissions (7):

Women's Health and Genetics/Laboratory Corporation of America, LabCorp
Classification: Benign. Last evaluated: 2026-05-09. Review status: criteria provided, single submitter. Criteria: LabCorp Variant Classification Summary - May 2015. Collection method: clinical testing. Allele origin: germline.

Labcorp Genetics (formerly Invitae), Labcorp
Classification: Benign. Last evaluated: 2026-02-03. Review status: criteria provided, single submitter. Criteria: Invitae Variant Classification Sherloc (09022015). Collection method: clinical testing. Allele origin: germline.

GeneDx
Classification: Benign. Last evaluated: 2021-07-26. Review status: criteria provided, single submitter. Criteria: GeneDx Variant Classification Process June 2021. Collection method: clinical testing. Allele origin: germline. Affected: yes.

Illumina Laboratory Services, Illumina
Classification: Benign for Growth delay due to insulin-like growth factor I resistance. Last evaluated: 2018-01-13. Review status: criteria provided, single submitter. Criteria: ICSL Variant Classification Criteria 13 December 2019. Collection method: clinical testing. Allele origin: germline.
Comment: This variant was observed in the ICSL laboratory as part of a predisposition screen in an ostensibly healthy population. It had not been previously curated by ICSL or reported in the Human Gene Mutation Database (HGMD: prior to June 1st, 2018), and was therefore a candidate for classification through an automated scoring system. Utilizing variant allele frequency, disease prevalence and penetrance estimates, and inheritance mode, an automated score was calculated to assess if this variant is too frequent to cause the disease. Based on the score and internal cut-off values, a variant classified as benign is not then subjected to further curation. The score for this variant resulted in a classification of benign for this disease.

Eurofins Ntd Llc (ga)
Classification: Benign. Last evaluated: 2016-04-06. Review status: criteria provided, single submitter. Criteria: EGL Classification Definitions 2015. Collection method: clinical testing. Allele origin: germline. Observed: 1 variant allele, 1 heterozygote.

Breakthrough Genomics
Classification: Benign. Review status: criteria provided, single submitter. Criteria: ACMG Guidelines, 2015. Collection method: not provided. Allele origin: germline. Inheritance: Autosomal dominant inheritance. Affected: yes.

PreventionGenetics, part of Exact Sciences
Classification: Benign for IGF1R-related condition. Last evaluated: 2019-03-08. Review status: no assertion criteria provided. Collection method: clinical testing. Allele origin: germline. Not counted in ClinVar's aggregate classification.
Comment: This variant is classified as benign based on ACMG/AMP sequence variant interpretation guidelines (Richards et al. 2015 PMID: 25741868, with internal and published modifications).

NM_000875.5(IGF1R):c.4038C>T (p.Tyr1346=)

Gene: IGF1R (insulin like growth factor 1 receptor; plus strand). Cytogenetic location: 15q26.3.
Variant type: single nucleotide variant.
Coding change: c.4038C>T on transcript NM_000875.5 (MANE Select); coding-DNA position 4038, C replaced by T.
Protein change: p.Tyr1346=; no amino-acid change (tyrosine 1346 retained).
Molecular consequence: synonymous variant.
Genome position (GRCh38, 1-based): chr15:98,957,376, C>T. VCF-style: chr15-98957376-C-T. GRCh37 (hg19) VCF-style: chr15-99500605-C-T.
Other names: c.4035C>T, p.Tyr1345= (NM_001291858.2); c.4038C>T (NM_000875.4).
Identifiers: ClinVar variation 287436 (VCV000287436.21), dbSNP rs17847203, ClinGen allele CA7752874.